The following is an entry in ClinVar:

ClinVar aggregate classification (germline): Pathogenic (1 of 4 stars; one submission).

Conditions:
Primary ciliary dyskinesia 13. Also called: CILIARY DYSKINESIA, PRIMARY, 13, WITH OR WITHOUT SITUS INVERSUS. Identifiers: Orphanet 244, MedGen C2750790, MONDO:0013174, OMIM 613193.

Submission:

3billion
Classification: Pathogenic for Primary ciliary dyskinesia 13. Last evaluated: 2023-09-07. Review status: criteria provided, single submitter. Criteria: ACMG Guidelines, 2015. Collection method: clinical testing. Allele origin: germline. Affected: yes.
Comment: The variant is not observed in the gnomAD v2.1.1 dataset. Predicted Consequence/Location: Stop-gained (nonsense): predicted to result in a loss or disruption of normal protein function through nonsense-mediated decay (NMD) or protein truncation. Multiple pathogenic variants are reported downstream of the variant. Therefore, this variant is classified as Pathogenic according to the recommendation of ACMG/AMP guideline.

NM_178452.6(DNAAF1):c.1282G>T (p.Glu428Ter)

Gene: DNAAF1 (dynein axonemal assembly factor 1; plus strand). Cytogenetic location: 16q24.1.
Variant type: single nucleotide variant.
Coding change: c.1282G>T on transcript NM_178452.6 (MANE Select); coding-DNA position 1282, G replaced by T.
Protein change: p.Glu428Ter; replaces glutamic acid 428 with a stop codon.
Molecular consequence: nonsense.
Genome position (GRCh38, 1-based): chr16:84,170,110, G>T. VCF-style: chr16-84170110-G-T. GRCh37 (hg19) VCF-style: chr16-84203716-G-T.
Other names: c.574G>T, p.Glu192Ter (NM_001318756.1); short protein forms E192*, E428*.
Identifiers: ClinVar variation 3775194 (VCV003775194.1).